The following is an entry in ClinVar:

NM_182961.4(SYNE1):c.1534C>G (p.Leu512Val)

Gene: SYNE1 (spectrin repeat containing nuclear envelope protein 1; minus strand). Cytogenetic location: 6q25.2.
Variant type: single nucleotide variant.
Coding change: c.1534C>G on transcript NM_182961.4 (MANE Select); coding-DNA position 1534, C replaced by G.
Protein change: p.Leu512Val; replaces leucine 512 with valine.
Molecular consequence: missense variant.
Genome position (GRCh38, 1-based): chr6:152,471,695, G>C on the plus strand (C>G on the coding strand, the complement: SYNE1 is on the minus strand). VCF-style: chr6-152471695-G-C. GRCh37 (hg19) VCF-style: chr6-152792830-G-C.
Other names: c.1555C>G, p.Leu519Val (NM_033071.5); short protein forms L512V, L519V.
Identifiers: ClinVar variation 4849064 (VCV004849064.1).

ClinVar aggregate classification (germline): Uncertain significance (1 of 4 stars; one submission).

gnomAD v4.1: 5 of 1,613,896 alleles (0.00031%); highest among the groups gnomAD compares: African/African-American, 0.0067%; no homozygotes.

Submission:

Women's Health and Genetics/Laboratory Corporation of America, LabCorp
Classification: Uncertain significance. Last evaluated: 2026-04-27. Review status: criteria provided, single submitter. Criteria: LabCorp Variant Classification Summary - May 2015. Collection method: clinical testing. Allele origin: germline.
Comment: Variant summary: SYNE1 c.1555C>G (p.Leu519Val) results in a conservative amino acid change in the encoded protein sequence. Algorithms developed to predict the effect of missense changes on protein structure and function are either unavailable or do not agree on the potential impact of this missense change. The variant allele was found at a frequency of 1.6e-05 in 251218 control chromosomes. The available data on variant occurrences in the general population are insufficient to allow any conclusion about variant significance. To our knowledge, no occurrence of c.1555C>G in individuals affected with SYNE1-related conditions and no experimental evidence demonstrating its impact on protein function have been reported. No submitters have cited clinical-significance assessments for this variant to ClinVar. Based on the evidence outlined above, the variant was classified as uncertain significance.